The following is an entry in ClinVar:

NM_182961.4(SYNE1):c.10546G>A (p.Asp3516Asn)

Gene: SYNE1 (spectrin repeat containing nuclear envelope protein 1; minus strand). Cytogenetic location: 6q25.2.
Variant type: single nucleotide variant.
Coding change: c.10546G>A on transcript NM_182961.4 (MANE Select); coding-DNA position 10546, G replaced by A.
Protein change: p.Asp3516Asn; replaces aspartic acid 3516 with asparagine.
Molecular consequence: missense variant.
Genome position (GRCh38, 1-based): chr6:152,358,435, C>T on the plus strand (G>A on the coding strand, the complement: SYNE1 is on the minus strand). VCF-style: chr6-152358435-C-T. GRCh37 (hg19) VCF-style: chr6-152679570-C-T.
Other names: c.10567G>A, p.Asp3523Asn (NM_033071.5); short protein forms D3523N, D3516N.
Identifiers: ClinVar variation 3571841 (VCV003571841.1).

ClinVar aggregate classification (germline): Uncertain significance (1 of 4 stars; one submission).

gnomAD v4.1: 7 of 1,614,116 alleles (0.00043%); highest among the groups gnomAD compares: South Asian, 0.0033%; no homozygotes.

Submission:

Athena Diagnostics
Classification: Uncertain significance. Last evaluated: 2024-07-31. Review status: criteria provided, single submitter. Criteria: Athena Diagnostics Criteria. Collection method: clinical testing. Allele origin: unknown.
Comment: Available data are insufficient to determine the clinical significance of the variant at this time. The frequency of this variant in the general population is uninformative in assessment of its pathogenicity. Polyphen and MutationTaster predict this amino acid change may be benign.